The following is an entry in ClinVar:

ClinVar aggregate classification (germline): Pathogenic. Review status: reviewed by expert panel (3 of 4 stars). 10 submissions from 10 submitters: Pathogenic (1). 9 of the submissions do not count toward it. Last evaluated 2016-09-08.

Conditions:
Breast neoplasm. Also called: Neoplasm of breast; Breast tumor; Neoplasm of the breast; Breast Neoplasms. Identifiers: MedGen C1458155, MeSH D001943, MONDO:0021100, HP:0100013. Disease mechanism: gain of function.
Hereditary cancer-predisposing syndrome. Also called: Neoplastic Syndromes, Hereditary; Hereditary Cancer Syndrome; Tumor predisposition; Hereditary neoplastic syndrome. Identifiers: Orphanet 140162, MedGen C0027672, MeSH D009386, MONDO:0015356.
Hereditary breast ovarian cancer syndrome. Also called: BRCA1- and BRCA2-Associated Hereditary Breast and Ovarian Cancer; Hereditary breast and ovarian cancer syndrome; Hereditary breast and ovarian cancer syndrome (HBOC); Hereditary breast and/or ovarian cancer syndrome; Hereditary breast and ovarian cancer; Breast and ovarian cancer. Identifiers: Orphanet 145, MedGen C0677776, MeSH D061325, MONDO:0003582. Disease mechanism: loss of function.
Breast-ovarian cancer, familial, susceptibility to, 2 (BROVCA2). Also called: BRCA2 Hereditary Breast and Ovarian Cancer. Identifiers: Orphanet 145, MedGen C2675520, MONDO:0012933, OMIM 612555. Disease mechanism: loss of function.

Submissions (10):

Evidence-based Network for the Interpretation of Germline Mutant Alleles (ENIGMA)
Classification: Pathogenic for Breast-ovarian cancer, familial, susceptibility to, 2. Last evaluated: 2016-09-08. Review status: reviewed by expert panel. Criteria: ENIGMA BRCA1/2 Classification Criteria (2015). Collection method: curation. Allele origin: germline.
Comment: Variant allele predicted to encode a truncated non-functional protein.

Women's Health and Genetics/Laboratory Corporation of America, LabCorp
Classification: Pathogenic for Hereditary breast ovarian cancer syndrome. Last evaluated: 2026-04-06. Review status: criteria provided, single submitter. Criteria: LabCorp Variant Classification Summary - May 2015. Collection method: clinical testing. Allele origin: germline. Not counted in ClinVar's aggregate classification.
Comment: Variant summary: BRCA2 c.2175dupA (p.Val726SerfsX25) results in a premature termination codon, predicted to cause absence of the protein due to nonsense mediated decay, which is a commonly known mechanism for disease. The variant was absent in 251222 control chromosomes (gnomAD). c.2175dupA has been observed in individuals affected with Hereditary Breast And Ovarian Cancer Syndrome (e.g. DE Silva_2011). These data indicate that the variant is likely to be associated with disease. The following publication has been ascertained in the context of this evaluation (PMID: 22977638). ClinVar contains an entry for this variant (Variation ID: 37776). Based on the evidence outlined above, the variant was classified as pathogenic.

Dasa
Classification: Pathogenic for Breast-ovarian cancer, familial, susceptibility to, 2. Last evaluated: 2025-07-14. Review status: criteria provided, single submitter. Criteria: DASA Assertion Criteria. Collection method: clinical testing. Allele origin: germline. Not counted in ClinVar's aggregate classification.
Comment: NM_000059.4(BRCA2):c.2175dup (p.Val726SerfsTer25) introduces a premature termination codon predicted to result in loss of normal protein function. Loss-of-function is an established mechanism of disease for this gene. The affected residue or protein region has prior evidence supporting clinical relevance. Based on the available data, this variant is classified as pathogenic.

Labcorp Genetics (formerly Invitae), Labcorp
Classification: Pathogenic for Hereditary breast ovarian cancer syndrome. Last evaluated: 2024-04-30. Review status: criteria provided, single submitter. Criteria: Invitae Variant Classification Sherloc (09022015). Collection method: clinical testing. Allele origin: germline. Not counted in ClinVar's aggregate classification.
Comment: This sequence change creates a premature translational stop signal (p.Val726Serfs*25) in the BRCA2 gene. It is expected to result in an absent or disrupted protein product. Loss-of-function variants in BRCA2 are known to be pathogenic (PMID: 20104584). This variant is not present in population databases (gnomAD no frequency). This premature translational stop signal has been observed in individual(s) with breast cancer (PMID: 22977638). This variant is also known as 2403insA. ClinVar contains an entry for this variant (Variation ID: 37776). For these reasons, this variant has been classified as Pathogenic.

Ambry Genetics
Classification: Pathogenic for Hereditary cancer-predisposing syndrome. Last evaluated: 2024-01-10. Review status: criteria provided, single submitter. Criteria: Ambry Variant Classification Scheme 2023. Collection method: clinical testing. Allele origin: germline. Not counted in ClinVar's aggregate classification.
Comment: The c.2175dupA pathogenic mutation, located in coding exon 10 of the BRCA2 gene, results from a duplication of A at nucleotide position 2175, causing a translational frameshift with a predicted alternate stop codon (p.V726Sfs*25). This variant was reported in multiple individuals with features consistent with BRCA2-related hereditary breast and ovarian cancer syndrome (DE Silva S et al. Exp Ther Med, 2011 Nov;2:1163-1170; Schwartz M et al. Clin Genet, 2019 Dec;96:579-584). This variant is considered to be rare based on population cohorts in the Genome Aggregation Database (gnomAD). In addition to the clinical data presented in the literature, this alteration is expected to result in loss of function by premature protein truncation or nonsense-mediated mRNA decay. As such, this alteration is interpreted as a disease-causing mutation.

Equipe Genetique des Anomalies du Developpement, Université de Bourgogne
Classification: Pathogenic for Breast-ovarian cancer, familial, susceptibility to, 2. Last evaluated: 2018-11-21. Review status: criteria provided, single submitter. Criteria: ACMG Guidelines, 2015. Collection method: clinical testing. Allele origin: unknown. Not counted in ClinVar's aggregate classification.

Laboratory of Molecular Diagnosis of Cancer, West China Hospital, Sichuan University
Classification: Pathogenic for Breast neoplasm. Last evaluated: 2015-11-01. Review status: criteria provided, single submitter. Criteria: ACMG Guidelines, 2015. Collection method: research. Allele origin: somatic. Affected: yes. Observed: 1 variant allele. Not counted in ClinVar's aggregate classification.

Consortium of Investigators of Modifiers of BRCA1/2 (CIMBA), c/o University of Cambridge
Classification: Pathogenic for Breast-ovarian cancer, familial, susceptibility to, 2. Last evaluated: 2015-10-02. Review status: criteria provided, single submitter. Criteria: CIMBA Mutation Classification guidelines May 2016. Collection method: clinical testing. Allele origin: germline. Not counted in ClinVar's aggregate classification.

Breast Cancer Information Core (BIC) (BRCA2)
Classification: Pathogenic for Breast-ovarian cancer, familial 2. Last evaluated: 2010-10-28. Review status: no assertion criteria provided. Collection method: clinical testing. Allele origin: germline. Affected: yes. Observed: 1 variant allele. Not counted in ClinVar's aggregate classification.

Sharing Clinical Reports Project (SCRP)
Classification: Pathogenic for Breast-ovarian cancer, familial 2. Last evaluated: 2006-06-19. Review status: no assertion criteria provided. Collection method: clinical testing. Allele origin: germline. Not counted in ClinVar's aggregate classification.

Literature cited by the submitters: PubMed 22977638 (cited by 3 submitters); PubMed 20104584 (cited by Labcorp Genetics (formerly Invitae), Labcorp); PubMed 31432501 (cited by Ambry Genetics); PubMed 27257965 (cited by Laboratory of Molecular Diagnosis of Cancer, West China Hospital, Sichuan University).

NM_000059.4(BRCA2):c.2175dup (p.Val726fs)

Gene: BRCA2 (BRCA2 DNA repair associated; plus strand). Cytogenetic location: 13q13.1.
Variant type: Duplication.
Coding change: c.2175dup on transcript NM_000059.4 (MANE Select); coding-DNA position 2175, one base duplicated (A; older notation c.2175dupA).
Protein change: p.Val726fs; shifts the reading frame from valine 726.
Molecular consequence: frameshift variant.
Genome position (GRCh38, 1-based): chr13:32,336,530, A duplicated; the last of 6 consecutive A bases (chr13:32,336,525-32,336,530); duplicating any one gives the same sequence. VCF-style (leftmost placement, unchanged base first): chr13-32336524-C-CA. GRCh37 (hg19) VCF-style: chr13-32910661-C-CA.
Other names: 2403insA; c.2175dupA (NM_000059.3); short protein forms V726fs.
Identifiers: ClinVar variation 37776 (VCV000037776.17), dbSNP rs276174819, ClinGen allele CA014516.